The following is an entry in ClinVar:

ClinVar aggregate classification (germline): Pathogenic/Likely pathogenic. Review status: criteria provided, multiple submitters, no conflicts (2 of 4 stars). 2 submissions from 2 submitters: Pathogenic (1); Likely pathogenic (1). Last evaluated 2024-12-20.

Conditions:
Landau-Kleffner syndrome (FESD). Also called: APHASIA, ACQUIRED, WITH EPILEPSY; EPILEPSY, FOCAL, WITH SPEECH DISORDER AND WITH OR WITHOUT MENTAL RETARDATION. Identifiers: Orphanet 1945, Orphanet 725, Orphanet 98818, MedGen C0282512, MONDO:0009509, OMIM 245570.
GRIN2A-related complex neurodevelopmental disorder. Also called: GRIN2A-related disorder; GRIN2A-related condition. Identifiers: MedGen CN379781, MONDO:1060139.

Submissions (2):

PreventionGenetics, part of Exact Sciences
Classification: Likely pathogenic for GRIN2A-related condition. Last evaluated: 2024-12-20. Review status: criteria provided, single submitter. Criteria: ACMG Guidelines, 2015. Collection method: clinical testing. Allele origin: germline.
Comment: The GRIN2A c.645delA variant is predicted to result in a frameshift and premature protein termination (p.Gln216Lysfs*4). This variant has not been reported in the literature or in a large population database (gnomAD), indicating this variant is rare. Frameshift variants in GRIN2A are expected to be pathogenic. This variant is interpreted as likely pathogenic.

Labcorp Genetics (formerly Invitae), Labcorp
Classification: Pathogenic for Landau-Kleffner syndrome. Last evaluated: 2022-08-16. Review status: criteria provided, single submitter. Criteria: Invitae Variant Classification Sherloc (09022015). Collection method: clinical testing. Allele origin: germline.
Comment: This sequence change creates a premature translational stop signal (p.Gln216Lysfs*4) in the GRIN2A gene. It is expected to result in an absent or disrupted protein product. Loss-of-function variants in GRIN2A are known to be pathogenic (PMID: 23933819, 23933820). This variant is not present in population databases (gnomAD no frequency). This variant has not been reported in the literature in individuals affected with GRIN2A-related conditions. ClinVar contains an entry for this variant (Variation ID: 1413913). For these reasons, this variant has been classified as Pathogenic.

Literature cited by the submitters: PubMed 23933819 (cited by Labcorp Genetics (formerly Invitae), Labcorp); PubMed 23933820 (cited by Labcorp Genetics (formerly Invitae), Labcorp).

NM_001134407.3(GRIN2A):c.645del (p.Gln216fs)

Gene: GRIN2A (glutamate ionotropic receptor NMDA type subunit 2A; minus strand). Cytogenetic location: 16p13.2.
Variant type: Deletion.
Coding change: c.645del on transcript NM_001134407.3 (MANE Select); coding-DNA position 645, one base deleted (A; older notation c.645delA).
Protein change: p.Gln216fs; shifts the reading frame from glutamine 216.
Molecular consequence: frameshift variant.
Genome position (GRCh38, 1-based): chr16:9,938,321, T deleted on the plus strand (A on the coding strand, the reverse complement: GRIN2A is on the minus strand). VCF-style (leftmost placement, unchanged base first): chr16-9938320-GT-G. GRCh37 (hg19) VCF-style: chr16-10032177-GT-G.
Other names: c.645del, p.Gln216fs (NM_000833.5, NM_001134408.2); c.645delA (NM_000833.4); short protein forms Q216fs.
Identifiers: ClinVar variation 1413913 (VCV001413913.7), dbSNP rs2141631751, ClinGen allele CA2573152119.